The following is an entry in ClinVar:

NM_001377.3(DYNC2H1):c.10980G>A (p.Glu3660=)

Gene: DYNC2H1 (dynein cytoplasmic 2 heavy chain 1; plus strand). Cytogenetic location: 11q22.3.
Variant type: single nucleotide variant.
Coding change: c.10980G>A on transcript NM_001377.3 (MANE Select); coding-DNA position 10980, G replaced by A.
Protein change: p.Glu3660=; no amino-acid change (glutamic acid 3660 retained).
Molecular consequence: synonymous variant.
Genome position (GRCh38, 1-based): chr11:103,286,344, G>A. VCF-style: chr11-103286344-G-A. GRCh37 (hg19) VCF-style: chr11-103157073-G-A.
Other names: c.11001G>A, p.Glu3667= (NM_001080463.2).
Identifiers: ClinVar variation 512541 (VCV000512541.1), dbSNP rs1555090192, ClinGen allele CA476610311.

ClinVar aggregate classification (germline): Likely benign (1 of 4 stars; one submission).

Allele frequency attached by ClinVar (database versions not stated): gnomAD exomes below 0.00001.
gnomAD v4.1: 5 of 1,613,606 alleles (0.00031%); highest among the groups gnomAD compares: Non-Finnish European, 0.00042%; no homozygotes.

Submission:

GeneDx
Classification: Likely benign. Last evaluated: 2017-10-04. Review status: criteria provided, single submitter. Criteria: GeneDx Variant Classification (06012015). Collection method: clinical testing. Allele origin: germline. Affected: yes.
Comment: This variant is considered likely benign or benign based on one or more of the following criteria: it is a conservative change, it occurs at a poorly conserved position in the protein, it is predicted to be benign by multiple in silico algorithms, and/or has population frequency not consistent with disease.